The following is an entry in ClinVar:

ClinVar aggregate classification (germline): Uncertain significance (1 of 4 stars; one submission).

Conditions:
Cardiovascular phenotype. Identifiers: MedGen CN230736.

gnomAD v4.1: 1 of 1,613,976 alleles (0.000062%); highest among the groups gnomAD compares: Admixed American, 0.0017%; no homozygotes.

Submission:

Ambry Genetics
Classification: Uncertain significance for Cardiovascular phenotype. Last evaluated: 2025-04-02. Review status: criteria provided, single submitter. Criteria: Ambry Variant Classification Scheme 2023. Collection method: clinical testing. Allele origin: germline.
Comment: The p.L3702F variant (also known as c.11104C>T), located in coding exon 26 of the APOB gene, results from a C to T substitution at nucleotide position 11104. The leucine at codon 3702 is replaced by phenylalanine, an amino acid with highly similar properties. This amino acid position is conserved. In addition, this alteration is predicted to be tolerated by in silico analysis. Based on the available evidence, the clinical significance of this variant remains unclear.

NM_000384.3(APOB):c.11104C>T (p.Leu3702Phe)

Gene: APOB (apolipoprotein B; minus strand). Cytogenetic location: 2p24.1.
Variant type: single nucleotide variant.
Coding change: c.11104C>T on transcript NM_000384.3 (MANE Select); coding-DNA position 11104, C replaced by T.
Protein change: p.Leu3702Phe; replaces leucine 3702 with phenylalanine.
Molecular consequence: missense variant.
Genome position (GRCh38, 1-based): chr2:21,005,764, G>A on the plus strand (C>T on the coding strand, the complement: APOB is on the minus strand). VCF-style: chr2-21005764-G-A. GRCh37 (hg19) VCF-style: chr2-21228636-G-A.
Other names: short protein forms L3702F.
Identifiers: ClinVar variation 3932704 (VCV003932704.1).